The following is an entry in ClinVar:

ClinVar aggregate classification (germline): Uncertain significance (0 of 4 stars; one submission).

Conditions:
Autosomal recessive spinocerebellar ataxia 12. Also called: SPINOCEREBELLAR ATAXIA WITH MENTAL RETARDATION AND EPILEPSY. Identifiers: Orphanet 284282, MedGen C3280452, MONDO:0013687, OMIM 614322.

Allele frequency attached by ClinVar (database versions not stated): gnomAD exomes below 0.00001.
gnomAD v4.1: 2 of 1,610,616 alleles (0.00012%); highest among the groups gnomAD compares: Non-Finnish European, 0.00017%; no homozygotes.

Submission:

Baylor Genetics
Classification: Uncertain significance for Autosomal recessive spinocerebellar ataxia 12. Last evaluated: 2014-04-30. Review status: no assertion criteria provided. Collection method: clinical testing. Allele origin: paternal. Inheritance: Autosomal recessive inheritance. Affected: yes. Observed: 1 variant allele, 1 compound heterozygote.

NM_016373.4(WWOX):c.517-108226G>T

Gene: WWOX (WW domain containing oxidoreductase; plus strand). Cytogenetic location: 16q23.1.
Variant type: single nucleotide variant.
Coding change: c.517-108226G>T on transcript NM_016373.4 (MANE Select); 108226 bases into the intron before coding-DNA position 517, G replaced by T.
Molecular consequence: intron variant. On other transcripts: missense variant (1), non-coding transcript variant (1).
Genome position (GRCh38, 1-based): chr16:78,278,634, G>T. VCF-style: chr16-78278634-G-T. GRCh37 (hg19) VCF-style: chr16-78312531-G-T.
Other names: c.548G>T, p.Cys183Phe (NM_130791.5); c.178-108226G>T (NM_001291997.2); short protein forms C183F.
Identifiers: ClinVar variation 374382 (VCV000374382.2), dbSNP rs1057518676, ClinGen allele CA16043724.